The following is an entry in ClinVar:

ClinVar aggregate classification (germline): Conflicting classifications of pathogenicity. Review status: criteria provided, conflicting classifications (1 of 4 stars). 4 submissions from 4 submitters: Uncertain significance (1); Likely benign (3). Last evaluated 2026-07-08.

Conditions:
Hereditary cancer-predisposing syndrome. Also called: Tumor predisposition; Neoplastic Syndromes, Hereditary; Hereditary Cancer Syndrome; Hereditary neoplastic syndrome. Identifiers: Orphanet 140162, MedGen C0027672, MeSH D009386, MONDO:0015356.
Intellectual disability, autosomal dominant 16 (CSS4). Also called: COFFIN-SIRIS SYNDROME 4. Identifiers: Orphanet 1465, MedGen C3553249, MONDO:0013821, OMIM 614609.
Rhabdoid tumor predisposition syndrome 2 (RTPS2). Identifiers: Orphanet 231108, Orphanet 69077, MedGen C2750074, MONDO:0013224, OMIM 613325.

Allele frequency attached by ClinVar (database versions not stated): TOPMed 0.00001.

Submissions (4):

Myriad Genetics, Inc.
Classification: Likely benign for Rhabdoid tumor predisposition syndrome 2. Last evaluated: 2026-07-08. Review status: criteria provided, single submitter. Criteria: Myriad Autosomal Dominant, Autosomal Recessive and X-Linked Classification Criteria (2023). Collection method: clinical testing. Allele origin: unknown.
Comment: This variant is considered likely benign. This variant is intronic and is not expected to impact mRNA splicing.

Labcorp Genetics (formerly Invitae), Labcorp
Classification: Likely benign for Rhabdoid tumor predisposition syndrome 2. Last evaluated: 2026-01-05. Review status: criteria provided, single submitter. Criteria: Invitae Variant Classification Sherloc (09022015). Collection method: clinical testing. Allele origin: germline.

Ambry Genetics
Classification: Likely benign for Hereditary cancer-predisposing syndrome. Last evaluated: 2023-04-06. Review status: criteria provided, single submitter. Criteria: Ambry Variant Classification Scheme 2023. Collection method: clinical testing. Allele origin: germline.

Genome-Nilou Lab
Classification: Uncertain significance for Intellectual disability, autosomal dominant 16. Last evaluated: 2021-07-15. Review status: criteria provided, single submitter. Criteria: ACMG Guidelines, 2015. Collection method: clinical testing. Allele origin: germline. Affected: no.

NM_003072.5(SMARCA4):c.3547-4C>T

Gene: SMARCA4 (SWI/SNF related BAF chromatin remodeling complex subunit ATPase 4; plus strand). Cytogenetic location: 19p13.2.
Variant type: single nucleotide variant.
Coding change: c.3547-4C>T on transcript NM_003072.5 (MANE Select); 4 bases into the intron before coding-DNA position 3547, C replaced by T.
Molecular consequence: intron variant.
Genome position (GRCh38, 1-based): chr19:11,033,286, C>T. VCF-style: chr19-11033286-C-T. GRCh37 (hg19) VCF-style: chr19-11143962-C-T.
Other names: c.3547-4C>T (NM_001128844.3, NM_001128849.3, NM_001128847.4 and 5 more transcripts).
Identifiers: ClinVar variation 486462 (VCV000486462.17), dbSNP rs908652572, ClinGen allele CA305290378.